The following is an entry in ClinVar:

ClinVar aggregate classification (germline): Uncertain significance (1 of 4 stars; one submission).

Conditions:
Familial sleep-related hypermotor epilepsy. Also called: Autosomal Dominant Sleep-Related Hypermotor (Hyperkinetic) Epilepsy. Identifiers: Orphanet 98784, MedGen C3696898, MONDO:0000030.

Submission:

Labcorp Genetics (formerly Invitae), Labcorp
Classification: Uncertain significance. Last evaluated: 2023-12-07. Review status: criteria provided, single submitter. Criteria: Invitae Variant Classification Sherloc (09022015). Collection method: clinical testing. Allele origin: germline.
Comment: This sequence change replaces phenylalanine, which is neutral and non-polar, with leucine, which is neutral and non-polar, at codon 8 of the CHRNA2 protein (p.Phe8Leu). This variant is not present in population databases (gnomAD no frequency). This variant has not been reported in the literature in individuals affected with CHRNA2-related conditions. Advanced modeling of protein sequence and biophysical properties (such as structural, functional, and spatial information, amino acid conservation, physicochemical variation, residue mobility, and thermodynamic stability) performed at Invitae indicates that this missense variant is not expected to disrupt CHRNA2 protein function with a negative predictive value of 95%. In summary, the available evidence is currently insufficient to determine the role of this variant in disease. Therefore, it has been classified as a Variant of Uncertain Significance.

NM_000742.4(CHRNA2):c.24C>G (p.Phe8Leu)

Gene: CHRNA2 (cholinergic receptor nicotinic alpha 2 subunit; minus strand). Cytogenetic location: 8p21.2.
Variant type: single nucleotide variant.
Coding change: c.24C>G on transcript NM_000742.4 (MANE Select); coding-DNA position 24, C replaced by G.
Protein change: p.Phe8Leu; replaces phenylalanine 8 with leucine.
Molecular consequence: missense variant. On other transcripts: 5 prime UTR variant (4).
Genome position (GRCh38, 1-based): chr8:27,471,035, G>C on the plus strand (C>G on the coding strand, the complement: CHRNA2 is on the minus strand). VCF-style: chr8-27471035-G-C. GRCh37 (hg19) VCF-style: chr8-27328552-G-C.
Other names: c.24C>G, p.Phe8Leu (NM_001282455.2); c.-404C>G (NM_001347705.2); c.-449C>G (NM_001347706.2); c.-390C>G (NM_001347707.2); c.-438C>G (NM_001347708.2); short protein forms F8L.
Identifiers: ClinVar variation 2766366 (VCV002766366.3), dbSNP rs757567429, ClinGen allele CA370813852.